The following is an entry in ClinVar:

ClinVar aggregate classification (germline): Likely benign. Review status: criteria provided, multiple submitters, no conflicts (2 of 4 stars). 2 submissions from 2 submitters: Likely benign (2). Last evaluated 2024-10-01.

gnomAD v4.1: 102 of 1,613,508 alleles (0.0063%); highest among the groups gnomAD compares: African/African-American, 0.044%; no homozygotes.

Submissions (2):

CeGaT Center for Human Genetics Tuebingen
Classification: Likely benign. Last evaluated: 2024-10-01. Review status: criteria provided, single submitter. Criteria: CeGaT Center For Human Genetics Tuebingen Variant Classification Criteria Version 2. Collection method: clinical testing. Allele origin: germline. Affected: yes. Observed: 1 variant allele.
Comment: RNF213: BP4, BP7

Labcorp Genetics (formerly Invitae), Labcorp
Classification: Likely benign. Last evaluated: 2024-02-03. Review status: criteria provided, single submitter. Criteria: Invitae Variant Classification Sherloc (09022015). Collection method: clinical testing. Allele origin: germline.

NM_001256071.3(RNF213):c.8433G>A (p.Pro2811=)

Gene: RNF213 (ring finger protein 213; plus strand). Cytogenetic location: 17q25.3.
Variant type: single nucleotide variant.
Coding change: c.8433G>A on transcript NM_001256071.3 (MANE Select); coding-DNA position 8433, G replaced by A.
Protein change: p.Pro2811=; no amino-acid change (proline 2811 retained).
Molecular consequence: synonymous variant.
Genome position (GRCh38, 1-based): chr17:80,346,768, G>A. VCF-style: chr17-80346768-G-A. GRCh37 (hg19) VCF-style: chr17-78320568-G-A.
Other names: c.8580G>A, p.Pro2860= (NM_001410195.1, NM_020914.5).
Identifiers: ClinVar variation 3388160 (VCV003388160.16).